The following is an entry in ClinVar:

ClinVar aggregate classification (germline): Pathogenic/Likely pathogenic. Review status: criteria provided, multiple submitters, no conflicts (2 of 4 stars). 3 submissions from 3 submitters: Pathogenic (1); Likely pathogenic (2). Last evaluated 2025-03-20.

Conditions:
Leucine-induced hypoglycemia (LIH). Also called: LEUCINE-SENSITIVE HYPOGLYCEMIA OF INFANCY. Identifiers: MedGen C0271714, MONDO:0009415, OMIM 240800.
Diabetes mellitus, permanent neonatal 3. Also called: ABCC8-Related Permanent Neonatal Diabetes Mellitus. Identifiers: MedGen C5394303, MONDO:0030088, OMIM 618857.
Diabetes mellitus, transient neonatal, 2 (TNDM2). Identifiers: Orphanet 99886, MedGen C1835887, MONDO:0012480, OMIM 610374. Disease mechanism: loss of function.
Type 2 diabetes mellitus. Also called: Type II diabetes mellitus. Identifiers: MedGen C0011860, MeSH D003924, MONDO:0005148, OMIM 125853, HP:0005978.
Hyperinsulinemic hypoglycemia, familial, 1 (HHF1). Also called: Persistent hyperinsulinemic hypoglycemia of infancy; HYPERINSULINISM, FAMILIAL, WITH PANCREATIC NESIDIOBLASTOSIS; HYPOGLYCEMIA, HYPERINSULINEMIC, OF INFANCY; NESIDIOBLASTOSIS OF PANCREAS; Persistent Hyperinsulinemia Hypoglycemia of Infancy. Identifiers: Orphanet 276575, Orphanet 276598, MedGen C2931832, MONDO:0009734, OMIM 256450.

Allele frequency attached by ClinVar (database versions not stated): gnomAD exomes below 0.00001; ExAC 0.00001.
gnomAD v4.1: 1 of 1,611,820 alleles (0.000062%); no homozygotes.

Submissions (3):

Myriad Genetics, Inc.
Classification: Likely pathogenic for Hyperinsulinemic hypoglycemia, familial, 1. Last evaluated: 2025-03-20. Review status: criteria provided, single submitter. Criteria: Myriad Autosomal Dominant, Autosomal Recessive and X-Linked Classification Criteria (2023). Collection method: clinical testing. Allele origin: unknown.
Comment: NM_000352.3(ABCC8):c.148+1G>A is a variant in a canonical splice site classified as likely pathogenic in the context of familial hyperinsulinism, ABCC8-related. c.148+1G>A has been observed in a case with relevant disease (PMID: 25931474). Relevant functional assessments of this variant are not available in the literature. c.148+1G>A has been observed in referenced population frequency databases. In summary, NM_000352.3(ABCC8):c.148+1G>A is a variant in a canonical splice site in a gene where loss of function is a known mechanism of disease, is predicted to disrupt protein function, and has been observed more frequently in cases with the relevant disease than in healthy populations. Please note: this variant was assessed in the context of healthy population screening.

Fulgent Genetics
Classification: Likely pathogenic for Type 2 diabetes mellitus; Leucine-induced hypoglycemia; Hyperinsulinemic hypoglycemia, familial, 1; Diabetes mellitus, transient neonatal, 2; Diabetes mellitus, permanent neonatal 3. Last evaluated: 2024-01-10. Review status: criteria provided, single submitter. Criteria: ACMG Guidelines, 2015. Collection method: clinical testing. Allele origin: germline.

Broad Center for Mendelian Genomics, Broad Institute of MIT and Harvard
Classification: Pathogenic for Hyperinsulinemic hypoglycemia, familial, 1. Last evaluated: 2023-08-16. Review status: criteria provided, single submitter. Criteria: ACMG Guidelines, 2015. Collection method: curation. Allele origin: germline. Inheritance: Autosomal recessive inheritance.
Comment: The c.148+1G>A variant in ABCC8 has been reported in two individuals with hyperinsulinemic hypoglycemia (PMID: 27691052, 25931474, 27334808), and has been identified in 0.004% (1/21470) of European (Finnish) chromosomes by the Genome Aggregation Database (gnomAD; dbSNP {rs766312766}). Although this variant has been seen in the general population in a heterozygous state, its frequency is low enough to be consistent with a recessive carrier frequency. Of the 2 affected individuals, both were homozygotes, which increases the likelihood that the c.148+1G>A variant is pathogenic (PMID: 27691052, 25931474, 27334808). This variant is located in the 5' splice region. SpliceAI predictions indicate use of an out-of-frame cryptic splice site 4 bases from the intron-exon boundary, providing evidence that this variant may cause a frameshift and lead to a premature termination codon downstream. This alteration is then predicted to lead to a truncated or absent protein. However, this information is not predictive enough to determine pathogenicity. Loss of function of the ABCC8 gene is an established disease mechanism in autosomal recessive hyperinsulinemic hypoglycemia. In summary, this variant meets criteria to be classified as pathogenic for autosomal recessive hyperinsulinemic hypoglycemia. ACMG/AMP Criteria applied: PVS1, PM3, PM2_supporting (Richards 2015).

Literature cited by the submitters: PubMed 25931474 (cited by Myriad Genetics, Inc.).

NM_000352.6(ABCC8):c.148+1G>A

Gene: ABCC8 (ATP binding cassette subfamily C member 8; minus strand). Cytogenetic location: 11p15.1.
Variant type: single nucleotide variant.
Coding change: c.148+1G>A on transcript NM_000352.6 (MANE Select); the canonical splice donor site of the intron after coding-DNA position 148, G replaced by A.
Molecular consequence: splice donor variant.
Genome position (GRCh38, 1-based): chr11:17,476,628, C>T on the plus strand (G>A on the coding strand, the complement: ABCC8 is on the minus strand). VCF-style: chr11-17476628-C-T. GRCh37 (hg19) VCF-style: chr11-17498175-C-T.
Other names: NM_001287174.3:c.148+1G>A; c.148+1G>A (NM_001351297.2, NM_001351296.2, NM_001351295.2 and 1 more transcripts).
Identifiers: ClinVar variation 2576216 (VCV002576216.3), dbSNP rs766312766, ClinGen allele CA5903972.